The following is an entry in ClinVar:

ClinVar aggregate classification (germline): Conflicting classifications of pathogenicity. Review status: criteria provided, conflicting classifications (1 of 4 stars). 3 submissions from 3 submitters: Uncertain significance (2); Likely benign (1). Last evaluated 2023-01-30.

Conditions:
Hereditary breast ovarian cancer syndrome. Also called: Hereditary breast and ovarian cancer syndrome (HBOC); Hereditary breast and ovarian cancer; BRCA1- and BRCA2-Associated Hereditary Breast and Ovarian Cancer; Breast and ovarian cancer; Hereditary breast and ovarian cancer syndrome; Hereditary breast and/or ovarian cancer syndrome. Identifiers: Orphanet 145, MedGen C0677776, MeSH D061325, MONDO:0003582. Disease mechanism: loss of function.
Hereditary cancer-predisposing syndrome. Also called: Hereditary neoplastic syndrome; Tumor predisposition; Hereditary Cancer Syndrome; Neoplastic Syndromes, Hereditary. Identifiers: Orphanet 140162, MedGen C0027672, MeSH D009386, MONDO:0015356.

Submissions (4):

Labcorp Genetics (formerly Invitae), Labcorp
Classification: Uncertain significance for Hereditary breast ovarian cancer syndrome. Last evaluated: 2023-01-30. Review status: criteria provided, single submitter. Criteria: Invitae Variant Classification Sherloc (09022015). Collection method: clinical testing. Allele origin: germline.
Comment: In summary, the available evidence is currently insufficient to determine the role of this variant in disease. Therefore, it has been classified as a Variant of Uncertain Significance. Experimental studies have shown that this missense change does not substantially affect BRCA1 function (PMID: 30209399). Advanced modeling performed at Invitae incorporating data from internal and/or published experimental studies (PMID: 30209399) indicates that this missense variant is not expected to disrupt BRCA1 function. ClinVar contains an entry for this variant (Variation ID: 631419). This missense change has been observed in individual(s) with breast cancer (PMID: 30199306). This variant is not present in population databases (gnomAD no frequency). This sequence change replaces valine, which is neutral and non-polar, with alanine, which is neutral and non-polar, at codon 1696 of the BRCA1 protein (p.Val1696Ala).

Ambry Genetics
Classification: Likely benign for Hereditary cancer-predisposing syndrome. Last evaluated: 2021-08-09. Review status: criteria provided, single submitter. Criteria: Ambry Variant Classification Scheme 2023. Collection method: clinical testing. Allele origin: germline.

Color Diagnostics, LLC DBA Color Health
Classification: Uncertain significance for Hereditary cancer-predisposing syndrome. Last evaluated: 2020-10-22. Review status: criteria provided, single submitter. Criteria: ACMG Guidelines, 2015. Collection method: clinical testing. Allele origin: germline.
Comment: This missense variant replaces valine with alanine at codon 1696 of the BRCA1 protein. Computational prediction is inconclusive regarding the impact of this variant on protein structure and function (internally defined REVEL score threshold 0.5 < inconclusive < 0.7, PMID: 27666373). A functional study has reported that the mutant protein is functional in a human haploid cell line-based cell survival assay (PMID: 30209399). To our knowledge, this variant has not been reported in individuals affected with hereditary cancer in the literature. This variant has not been identified in the general population by the Genome Aggregation Database (gnomAD). The available evidence is insufficient to determine the role of this variant in disease conclusively. Therefore, this variant is classified as a Variant of Uncertain Significance.

Brotman Baty Institute, University of Washington
No classification provided (evidence only). Condition: Breast-ovarian cancer, familial 1. Review status: no classification provided. Collection method: in vitro. Allele origin: not applicable. Functional consequence: functionally_normal. Not counted in ClinVar's aggregate classification.
ClinVar note: "not provided" was previously submitted as the classification for the variant. However, the classification appeared to be based only on an observation of functional data so it was converted to no classification on 2025-07-30.

Literature cited by the submitters: PubMed 30209399 (cited by Labcorp Genetics (formerly Invitae), Labcorp and Ambry Genetics); PubMed 30199306 (cited by Labcorp Genetics (formerly Invitae), Labcorp and Ambry Genetics).

NM_007294.4(BRCA1):c.5087T>C (p.Val1696Ala)

Gene: BRCA1 (BRCA1 DNA repair associated; minus strand). Cytogenetic location: 17q21.31.
Variant type: single nucleotide variant.
Coding change: c.5087T>C on transcript NM_007294.4 (MANE Select); coding-DNA position 5087, T replaced by C.
Protein change: p.Val1696Ala; replaces valine 1696 with alanine.
Molecular consequence: missense variant. On other transcripts: non-coding transcript variant (1).
Genome position (GRCh38, 1-based): chr17:43,063,939, A>G on the plus strand (T>C on the coding strand, the complement: BRCA1 is on the minus strand). VCF-style: chr17-43063939-A-G. GRCh37 (hg19) VCF-style: chr17-41215956-A-G.
Other names: c.4874T>C, p.Val1625Ala (NM_001407571.1, NM_001407894.1, NM_001407895.1 and 12 more transcripts); c.5153T>C, p.Val1718Ala (NM_001407581.1, NM_001407582.1); c.5150T>C, p.Val1717Ala (NM_001407583.1, NM_001407585.1, NM_001407587.1 and 1 more transcripts); c.5147T>C, p.Val1716Ala (NM_001407590.1, NM_001407591.1); c.5087T>C, p.Val1696Ala (NM_001407593.1, NM_001407594.1, NM_001407596.1 and 7 more transcripts); c.5084T>C, p.Val1695Ala (NM_001407616.1, NM_001407617.1, NM_001407618.1 and 17 more transcripts); c.5081T>C, p.Val1694Ala (NM_001407635.1, NM_001407636.1, NM_001407637.1 and 14 more transcripts); c.5078T>C, p.Val1693Ala (NM_001407644.1, NM_001407645.1); and 71 more; short protein forms V1696A, V1649A, V1717A, V592A, V1400A, V1542A, V1568A, V1606A.
Identifiers: ClinVar variation 631419 (VCV000631419.17), dbSNP rs397509226, ClinGen allele CA10591349.
Genomic context (GRCh38, chr17:43,063,939, plus strand): 5'-TAGCTAACTACCCATTTTCCTCCCGCAATTCCTAGAAAATATTTCAGTGTCCGTTCACAC[A>G]CAAACTCAGCATCTGCAGAATGAAAAACACTCAAAGGATTAGAAGTTGAAAACAAAATCA-3'
Protein context (NP_009225.1, residues 1686-1706): HVVMKTDAEF[Val1696Ala]CERTLKYFLG